The following is an entry in ClinVar:

ClinVar aggregate classification (germline): Uncertain significance (1 of 4 stars; one submission).

Submission:

Labcorp Genetics (formerly Invitae), Labcorp
Classification: Uncertain significance. Last evaluated: 2023-01-20. Review status: criteria provided, single submitter. Criteria: Invitae Variant Classification Sherloc (09022015). Collection method: clinical testing. Allele origin: germline.
Comment: In summary, the available evidence is currently insufficient to determine the role of this variant in disease. Therefore, it has been classified as a Variant of Uncertain Significance. Algorithms developed to predict the effect of missense changes on protein structure and function are either unavailable or do not agree on the potential impact of this missense change (SIFT: "Deleterious"; PolyPhen-2: "Benign"; Align-GVGD: "Class C25"). This variant has not been reported in the literature in individuals affected with IL18BP-related conditions. This variant is not present in population databases (gnomAD no frequency). This sequence change replaces leucine, which is neutral and non-polar, with valine, which is neutral and non-polar, at codon 110 of the IL18BP protein (p.Leu110Val).

NM_001039660.2(IL18BP):c.328C>G (p.Leu110Val)

Gene: IL18BP (interleukin 18 binding protein; plus strand). Cytogenetic location: 11q13.4.
Variant type: single nucleotide variant.
Coding change: c.328C>G on transcript NM_001039660.2 (MANE Select); coding-DNA position 328, C replaced by G.
Protein change: p.Leu110Val; replaces leucine 110 with valine.
Molecular consequence: missense variant. On other transcripts: intron variant (1).
Genome position (GRCh38, 1-based): chr11:72,001,293, C>G. VCF-style: chr11-72001293-C-G. GRCh37 (hg19) VCF-style: chr11-71712339-C-G.
Other names: c.328C>G, p.Leu110Val (NM_001039659.2, NM_001145057.1, NM_005699.3 and 2 more transcripts); c.236-491C>G (NM_001145055.1); short protein forms L110V.
Identifiers: ClinVar variation 2830523 (VCV002830523.3), dbSNP rs1955213351, ClinGen allele CA381722232.